The following is an entry in ClinVar:

NM_153676.4(USH1C):c.793G>A (p.Asp265Asn)

Gene: USH1C (USH1 protein network component harmonin; minus strand). Cytogenetic location: 11p15.1.
Variant type: single nucleotide variant.
Coding change: c.793G>A on transcript NM_153676.4 (MANE Select); coding-DNA position 793, G replaced by A.
Protein change: p.Asp265Asn; replaces aspartic acid 265 with asparagine.
Molecular consequence: missense variant. On other transcripts: non-coding transcript variant (1).
Genome position (GRCh38, 1-based): chr11:17,523,445, C>T on the plus strand (G>A on the coding strand, the complement: USH1C is on the minus strand). VCF-style: chr11-17523445-C-T. GRCh37 (hg19) VCF-style: chr11-17544992-C-T.
Other names: c.793G>A, p.Asp265Asn (NM_001297764.2, NM_005709.4); short protein forms D265N.
Identifiers: ClinVar variation 553053 (VCV000553053.4), dbSNP rs199537187, ClinGen allele CA5904872.

ClinVar aggregate classification (germline): Uncertain significance. Review status: criteria provided, multiple submitters, no conflicts (2 of 4 stars). 3 submissions from 3 submitters: Uncertain significance (2). 1 of the submissions does not count toward it. Last evaluated 2024-06-17.

Conditions:
Usher syndrome type 1 (USH1). Also called: RETINITIS PIGMENTOSA AND CONGENITAL DEAFNESS. Identifiers: Orphanet 231169, Orphanet 886, MedGen C1568247, MONDO:0010168, OMIM 276900.
Autosomal recessive nonsyndromic hearing loss 18A. Also called: Deafness, autosomal recessive 18A; DEAFNESS, AUTOSOMAL RECESSIVE 18. Identifiers: Orphanet 90636, MedGen C1865870, MONDO:0011192, OMIM 602092.
Usher syndrome type 1C. Also called: USHER SYNDROME, TYPE I, ACADIAN VARIETY. Identifiers: Orphanet 231169, Orphanet 886, MedGen C1848604, MONDO:0010171, OMIM 276904.

Allele frequency attached by ClinVar (database versions not stated): gnomAD 0.00002; ExAC 0.00004; gnomAD exomes 0.00004; TOPMed 0.00005; 1000 Genomes Project 30x 0.00016; 1000 Genomes Project 0.00020.
gnomAD v4.1: 38 of 1,614,168 alleles (0.0024%); highest among the groups gnomAD compares: East Asian, 0.051%; no homozygotes.

Submissions (3):

GeneDx
Classification: Uncertain significance. Last evaluated: 2024-06-17. Review status: criteria provided, single submitter. Criteria: GeneDx Variant Classification Process June 2021. Collection method: clinical testing. Allele origin: germline. Affected: yes.
Comment: In silico analysis supports that this missense variant has a deleterious effect on protein structure/function; This variant is associated with the following publications: (PMID: 35747925, 24154662, 33608557)

Fulgent Genetics
Classification: Uncertain significance for Usher syndrome type 1; Usher syndrome type 1C; Autosomal recessive nonsyndromic hearing loss 18A. Last evaluated: 2021-12-17. Review status: criteria provided, single submitter. Criteria: ACMG Guidelines, 2015. Collection method: clinical testing. Allele origin: unknown.

Counsyl
Classification: Uncertain significance for Usher syndrome type 1C; Autosomal recessive nonsyndromic hearing loss 18A. Last evaluated: 2017-07-26. Review status: no assertion criteria provided. Collection method: clinical testing. Allele origin: unknown. Not counted in ClinVar's aggregate classification.

Literature cited by the submitters: PubMed 24154662 (cited by Counsyl).